The following is an entry in ClinVar:

NM_000020.3(ACVRL1):c.830C>T (p.Thr277Met)

Gene: ACVRL1 (activin A receptor like type 1; plus strand). Cytogenetic location: 12q13.13.
Variant type: single nucleotide variant.
Coding change: c.830C>T on transcript NM_000020.3 (MANE Select); coding-DNA position 830, C replaced by T.
Protein change: p.Thr277Met; replaces threonine 277 with methionine.
Molecular consequence: missense variant.
Genome position (GRCh38, 1-based): chr12:51,915,282, C>T. VCF-style: chr12-51915282-C-T. GRCh37 (hg19) VCF-style: chr12-52309066-C-T.
Other names: c.830C>T, p.Thr277Met (NM_001077401.2, NM_001406487.1, NM_001406488.1 and 1 more transcripts); c.518C>T, p.Thr173Met (NM_001406490.1, NM_001406491.1, NM_001406492.1 and 2 more transcripts); c.266C>T, p.Thr89Met (NM_001406495.1); short protein forms T89M, T173M, T277M.
Identifiers: ClinVar variation 2731545 (VCV002731545.3), dbSNP rs750085854, ClinGen allele CA6573004.

ClinVar aggregate classification (germline): Likely pathogenic (1 of 4 stars; one submission).

Conditions:
Telangiectasia, hereditary hemorrhagic, type 2 (HHT2). Also called: ACVRL1-Related Hereditary Hemorrhagic Telangiectasia; Telangiectasia, hereditary hemorrhagic, type II. Identifiers: Orphanet 774, MedGen C1838163, MONDO:0010880, OMIM 600376. Disease mechanism: loss of function.

Allele frequency attached by ClinVar (database versions not stated): gnomAD exomes below 0.00001; ExAC 0.00001; gnomAD 0.00002; TOPMed 0.00003.
gnomAD v4.1: 6 of 1,614,066 alleles (0.00037%); highest among the groups gnomAD compares: African/African-American, 0.0053%; no homozygotes.

Submission:

Labcorp Genetics (formerly Invitae), Labcorp
Classification: Likely pathogenic for Telangiectasia, hereditary hemorrhagic, type 2. Last evaluated: 2025-07-13. Review status: criteria provided, single submitter. Criteria: Invitae Variant Classification Sherloc (09022015). Collection method: clinical testing. Allele origin: germline.
Comment: This sequence change replaces threonine, which is neutral and polar, with methionine, which is neutral and non-polar, at codon 277 of the ACVRL1 protein (p.Thr277Met). This variant is present in population databases (rs750085854, gnomAD 0.007%). This variant has not been reported in the literature in individuals affected with ACVRL1-related conditions. ClinVar contains an entry for this variant (Variation ID: 2731545). Invitae Evidence Modeling of protein sequence and biophysical properties (such as structural, functional, and spatial information, amino acid conservation, physicochemical variation, residue mobility, and thermodynamic stability) has been performed for this missense variant. However, the output from this modeling did not meet the statistical confidence thresholds required to predict the impact of this variant on ACVRL1 protein function. This variant disrupts the p.Thr277 amino acid residue in ACVRL1. Other variant(s) that disrupt this residue have been determined to be pathogenic (PMID: 32573726; internal data). This suggests that this residue is clinically significant, and that variants that disrupt this residue are likely to be disease-causing. In summary, the currently available evidence indicates that the variant is pathogenic, but additional data are needed to prove that conclusively. Therefore, this variant has been classified as Likely Pathogenic.

Literature cited by the submitters: PubMed 32573726.